The following is an entry in ClinVar:

ClinVar aggregate classification (germline): Benign/Likely benign. Review status: criteria provided, multiple submitters, no conflicts (2 of 4 stars). 9 submissions from 9 submitters: Benign (6); Likely benign (3). Last evaluated 2026-02-02.

Conditions:
Atypical hemolytic-uremic syndrome with B factor anomaly. Also called: HEMOLYTIC UREMIC SYNDROME, ATYPICAL, SUSCEPTIBILITY TO, 4; AHUS, SUSCEPTIBILITY TO, 4. Identifiers: Orphanet 2134, MedGen C2752038, MONDO:0013042, OMIM 612924.
Atypical hemolytic-uremic syndrome. Identifiers: Orphanet 2134, MedGen C2931788, MONDO:0016244.

Allele frequency attached by ClinVar (database versions not stated): gnomAD exomes 0.00254 and 0.01080; gnomAD 0.00285 and 0.00312; TOPMed 0.00513; 1000 Genomes Project 0.00879; 1000 Genomes Project 30x 0.00937; ExAC 0.00984.
gnomAD v4.1: 4,183 of 1,614,186 alleles (0.26%); highest among the groups gnomAD compares: Admixed American, 3.9%; 132 homozygotes.

Submissions (9):

Labcorp Genetics (formerly Invitae), Labcorp
Classification: Benign. Last evaluated: 2026-02-02. Review status: criteria provided, single submitter. Criteria: Invitae Variant Classification Sherloc (09022015). Collection method: clinical testing. Allele origin: germline.

Women's Health and Genetics/Laboratory Corporation of America, LabCorp
Classification: Benign. Last evaluated: 2026-01-22. Review status: criteria provided, single submitter. Criteria: LabCorp Variant Classification Summary - May 2015. Collection method: clinical testing. Allele origin: germline.

Blueprint Genetics
Classification: Likely benign. Last evaluated: 2024-11-26. Review status: criteria provided, single submitter. Criteria: ACMG Guidelines, 2015. Collection method: clinical testing. Allele origin: germline.

Mayo Clinic Laboratories, Mayo Clinic
Classification: Benign. Last evaluated: 2022-10-23. Review status: criteria provided, single submitter. Criteria: ACMG Guidelines, 2015. Collection method: clinical testing. Allele origin: germline. Observed: 31 variant alleles.

Genome Diagnostics Laboratory, The Hospital for Sick Children
Classification: Benign for Atypical hemolytic-uremic syndrome. Last evaluated: 2022-04-28. Review status: criteria provided, single submitter. Criteria: ACMG Guidelines, 2015. Collection method: clinical testing. Allele origin: germline.

Genetic Services Laboratory, University of Chicago
Classification: Benign. Last evaluated: 2021-11-24. Review status: criteria provided, single submitter. Criteria: ACMG Guidelines, 2015. Collection method: clinical testing. Allele origin: germline. Affected: no.

GeneDx
Classification: Benign. Last evaluated: 2018-11-10. Review status: criteria provided, single submitter. Criteria: GeneDx Variant Classification Process June 2021. Collection method: clinical testing. Allele origin: germline. Affected: yes.

Illumina Laboratory Services, Illumina
Classification: Likely benign for Atypical hemolytic-uremic syndrome with B factor anomaly. Last evaluated: 2017-04-27. Review status: criteria provided, single submitter. Criteria: ICSL Variant Classification Criteria 13 December 2019. Collection method: clinical testing. Allele origin: germline.
Comment: This variant was observed as part of a predisposition screen in an ostensibly healthy population. A literature search was performed for the gene, cDNA change, and amino acid change (where applicable). No publications were found based on this search. Allele frequency data from public databases allowed determination this variant is unlikely to cause disease. Therefore, this variant is classified as likely benign.

Breakthrough Genomics
Classification: Likely benign. Review status: criteria provided, single submitter. Criteria: ACMG Guidelines, 2015. Collection method: not provided. Allele origin: germline. Inheritance: Autosomal recessive inheritance. Affected: yes.

NM_001710.6(CFB):c.858C>T (p.Phe286=)

Gene: CFB (complement factor B; plus strand). Cytogenetic location: 6p21.33.
Variant type: single nucleotide variant.
Coding change: c.858C>T on transcript NM_001710.6 (MANE Select); coding-DNA position 858, C replaced by T.
Protein change: p.Phe286=; no amino-acid change (phenylalanine 286 retained).
Molecular consequence: synonymous variant.
Genome position (GRCh38, 1-based): chr6:31,948,042, C>T. VCF-style: chr6-31948042-C-T. GRCh37 (hg19) VCF-style: chr6-31915819-C-T.
Other names: p.Phe286=.
Identifiers: ClinVar variation 356281 (VCV000356281.24), dbSNP rs117905900, ClinGen allele CA3728170.
Genomic context (GRCh38, chr6:31,948,042, plus strand): 5'-AGGCTCCATGAACATCTACCTGGTGCTAGATGGATCAGACAGCATTGGGGCCAGCAACTT[C>T]ACAGGAGCCAAAAAGTGTCTAGTCAACTTAATTGAGAAGGTGGAATCCTCCTATCCCTGA-3'
Protein context (NP_001701.2, residues 276-296): DGSDSIGASN[Phe286=]TGAKKCLVNL